The following is an entry in ClinVar:

ClinVar aggregate classification (germline): Likely benign. Review status: criteria provided, multiple submitters, no conflicts (2 of 4 stars). 2 submissions from 2 submitters: Likely benign (2). Last evaluated 2025-01-16.

Conditions:
Familial cancer of breast. Also called: Hereditary breast cancer; BREAST CANCER, FAMILIAL; hereditary breast carcinoma. Identifiers: Orphanet 227535, MedGen C0346153, MONDO:0016419, OMIM 114480. Disease mechanism: loss of function.

Allele frequency attached by ClinVar (database versions not stated): gnomAD exomes below 0.00001; ExAC 0.00001.
gnomAD v4.1: 1 of 1,612,514 alleles (0.000062%); highest among the groups gnomAD compares: South Asian, 0.0011%; no homozygotes.

Submissions (2):

Myriad Genetics, Inc.
Classification: Likely benign for Familial cancer of breast. Last evaluated: 2025-01-16. Review status: criteria provided, single submitter. Criteria: Myriad Autosomal Dominant, Autosomal Recessive and X-Linked Classification Criteria (2023). Collection method: clinical testing. Allele origin: unknown.
Comment: This variant is considered likely benign. This variant is intronic and is not expected to impact mRNA splicing.

Labcorp Genetics (formerly Invitae), Labcorp
Classification: Likely benign for Familial cancer of breast. Last evaluated: 2024-08-08. Review status: criteria provided, single submitter. Criteria: Invitae Variant Classification Sherloc (09022015). Collection method: clinical testing. Allele origin: germline.

NM_024675.4(PALB2):c.2514+9C>T

Gene: PALB2 (partner and localizer of BRCA2; minus strand). Cytogenetic location: 16p12.2.
Variant type: single nucleotide variant.
Coding change: c.2514+9C>T on transcript NM_024675.4 (MANE Select); 9 bases into the intron after coding-DNA position 2514, C replaced by T.
Molecular consequence: intron variant.
Genome position (GRCh38, 1-based): chr16:23,629,631, G>A on the plus strand (C>T on the coding strand, the complement: PALB2 is on the minus strand). VCF-style: chr16-23629631-G-A. GRCh37 (hg19) VCF-style: chr16-23640952-G-A.
Identifiers: ClinVar variation 415996 (VCV000415996.12), dbSNP rs762994288, ClinGen allele CA7963563.